The following is an entry in ClinVar:

ClinVar aggregate classification (germline): Uncertain significance (1 of 4 stars; one submission).

Conditions:
Polycystic kidney disease 2 (PKD2). Also called: Polycystic Kidney Disease 2, Autosomal Dominant; POLYCYSTIC KIDNEY DISEASE, ADULT, TYPE II; POLYCYSTIC KIDNEY DISEASE 2 WITH OR WITHOUT POLYCYSTIC LIVER DISEASE. Identifiers: MedGen C2751306, MONDO:0013131, OMIM 613095.

Submission:

Victorian Clinical Genetics Services, Murdoch Childrens Research Institute
Classification: Uncertain significance for Polycystic kidney disease 2. Last evaluated: 2020-06-11. Review status: criteria provided, single submitter. Criteria: ACMG Guidelines, 2015. Collection method: clinical testing. Allele origin: germline.
Comment: Based on the classification scheme VCGS_Germline_v1.1.1, this variant is classified as 3A-VUS. Following criteria are met: 0102 - Loss-of-function is a known mechanism of disease for this gene. (N) 0107 - This gene is known to be associated with autosomal dominant disease. (N) 0200 - Variant is predicted to result in a missense amino acid change from leucine to arginine (exon 8). (N) 0251 - Variant is heterozygous. (N) 0301 - Variant is absent from gnomAD. (P) 0502 - Missense variant with conflicting in silico predictions and/or uninformative conservation. (N) 0600 - Variant is located in an annotated domain or motif (PKD channel; NCBI, PDB, Decipher). (N) 0704 - Comparable variant has low previous evidence for pathogenicity. A different variant in the same codon resulting in a change to proline has been reported in an individual with polycystic kidney disease (PMID: 29321346). (P) 0807 - Variant has not previously been reported in a clinical context. (N) 0905 - No segregation evidence has been identified for this variant. (N) 1007 - No published functional evidence has been identified for this variant. However, the father was not tested. (N) Legend: (P) - Pathogenic, (N) - Neutral, (B) - Benign

Literature cited by the submitters: PubMed 29321346.

NM_000297.4(PKD2):c.1790T>G (p.Leu597Arg)

Gene: PKD2 (polycystin 2, transient receptor potential cation channel; plus strand). Cytogenetic location: 4q22.1.
Variant type: single nucleotide variant.
Coding change: c.1790T>G on transcript NM_000297.4 (MANE Select); coding-DNA position 1790, T replaced by G.
Protein change: p.Leu597Arg; replaces leucine 597 with arginine.
Molecular consequence: missense variant. On other transcripts: non-coding transcript variant (1).
Genome position (GRCh38, 1-based): chr4:88,056,159, T>G. VCF-style: chr4-88056159-T-G. GRCh37 (hg19) VCF-style: chr4-88977311-T-G.
Other names: short protein forms L597R.
Identifiers: ClinVar variation 1805173 (VCV001805173.1), dbSNP rs2475953920, ClinGen allele CA357622761.